The following is an entry in ClinVar:

NM_001271.4(CHD2):c.1326C>G (p.Asp442Glu)

Gene: CHD2 (chromodomain helicase DNA binding protein 2; plus strand). Cytogenetic location: 15q26.1.
Variant type: single nucleotide variant.
Coding change: c.1326C>G on transcript NM_001271.4 (MANE Select); coding-DNA position 1326, C replaced by G.
Protein change: p.Asp442Glu; replaces aspartic acid 442 with glutamic acid.
Molecular consequence: missense variant.
Genome position (GRCh38, 1-based): chr15:92,946,165, C>G. VCF-style: chr15-92946165-C-G. GRCh37 (hg19) VCF-style: chr15-93489395-C-G.
Other names: c.1326C>G, p.Asp442Glu (NM_001042572.3); short protein forms D442E.
Identifiers: ClinVar variation 4883100 (VCV004883100.2).
Genomic context (GRCh38, chr15:92,946,165, plus strand): 5'-TTCAGAGTGTAGCTGGGAAGATGAAGCCCTCATTGGAAAGAAATTCCAGAATTGCATTGA[C>G]AGCTTCCACAGTAGGAACAACTCAAAAACCATCCCAACAAGAGAATGCAAGGTATGGTGA-3'
Protein context (NP_001262.3, residues 432-452): LIGKKFQNCI[Asp442Glu]SFHSRNNSKT

ClinVar aggregate classification (germline): Uncertain significance (1 of 4 stars; one submission).

Submission:

Dasa
Classification: Uncertain significance. Last evaluated: 2025-06-14. Review status: criteria provided, single submitter. Criteria: DASA Assertion Criteria. Collection method: clinical testing. Allele origin: germline.
Comment: NM_001271.4(CHD2):c.1326C>G (p.Asp442Glu) is a missense variant that results in the substitution of aspartic acid with glutamic acid. This variant is absent from population databases. Computational prediction algorithms are consistent with a benign effect. The currently available literature and clinical evidence are not sufficient to establish a definitive association between this variant and the reported condition. Therefore, this variant is classified as a variant of uncertain significance.